The following is an entry in ClinVar:

ClinVar aggregate classification (germline): Conflicting classifications of pathogenicity. Review status: criteria provided, conflicting classifications (1 of 4 stars). 5 submissions from 5 submitters: Uncertain significance (1); Likely benign (4). Last evaluated 2026-01-13.

Conditions:
Fanconi anemia complementation group J. Also called: BRIP1-Related Fanconi Anemia. Identifiers: Orphanet 84, MedGen C1836860, MONDO:0012187, OMIM 609054.
Familial cancer of breast. Also called: BREAST CANCER, FAMILIAL; hereditary breast carcinoma; Hereditary breast cancer. Identifiers: Orphanet 227535, MedGen C0346153, MONDO:0016419, OMIM 114480. Disease mechanism: loss of function.
Hereditary cancer-predisposing syndrome. Also called: Tumor predisposition; Neoplastic Syndromes, Hereditary; Hereditary Cancer Syndrome; Hereditary neoplastic syndrome. Identifiers: Orphanet 140162, MedGen C0027672, MeSH D009386, MONDO:0015356.

Allele frequency attached by ClinVar (database versions not stated): gnomAD 0.00001; gnomAD exomes 0.00001 and 0.00002; TOPMed 0.00003.
gnomAD v4.1: 9 of 1,598,582 alleles (0.00056%); highest among the groups gnomAD compares: Admixed American, 0.012%; no homozygotes.

Submissions (5):

Labcorp Genetics (formerly Invitae), Labcorp
Classification: Likely benign for Familial cancer of breast; Fanconi anemia complementation group J. Last evaluated: 2026-01-13. Review status: criteria provided, single submitter. Criteria: Invitae Variant Classification Sherloc (09022015). Collection method: clinical testing. Allele origin: germline.

Myriad Genetics, Inc.
Classification: Likely benign for Familial cancer of breast. Last evaluated: 2024-09-05. Review status: criteria provided, single submitter. Criteria: Myriad Autosomal Dominant, Autosomal Recessive and X-Linked Classification Criteria (2023). Collection method: clinical testing. Allele origin: unknown.
Comment: This variant is considered likely benign. This variant is intronic and is not expected to impact mRNA splicing.

Sema4
Classification: Uncertain significance for Hereditary cancer-predisposing syndrome. Last evaluated: 2021-10-19. Review status: criteria provided, single submitter. Criteria: Sema4 Curation Guidelines. Collection method: curation. Allele origin: germline.
Comment: The BRIP1 c.2493-11A>G variant has not been reported in the literature to our knowledge. It was observed in 4/34510 chromosomes of the Latino subpopulation in the large and broad cohorts of the Genome Aggregation Database (PMID: 32461654), and has been reported in ClinVar (Variation ID 491443). In silico tools suggest the variant does not disrupt normal splicing, though these predictions have not been confirmed by functional studies. The evidence is insufficient to meet ACMG/AMP criteria for classifying the variant as benign or pathogenic. Thus, the clinical significance of this variant is currently uncertain.

GeneDx
Classification: Likely benign. Last evaluated: 2019-06-03. Review status: criteria provided, single submitter. Criteria: GeneDx Variant Classification Process June 2021. Collection method: clinical testing. Allele origin: germline. Affected: yes.

Color Diagnostics, LLC DBA Color Health
Classification: Likely benign for Hereditary cancer-predisposing syndrome. Last evaluated: 2017-06-02. Review status: criteria provided, single submitter. Criteria: ACMG Guidelines, 2015. Collection method: clinical testing. Allele origin: germline.

NM_032043.3(BRIP1):c.2493-11A>G

Gene: BRIP1 (BRCA1 interacting DNA helicase 1; minus strand). Cytogenetic location: 17q23.2.
Variant type: single nucleotide variant.
Coding change: c.2493-11A>G on transcript NM_032043.3 (MANE Select); 11 bases into the intron before coding-DNA position 2493, A replaced by G.
Molecular consequence: intron variant.
Genome position (GRCh38, 1-based): chr17:61,693,523, T>C on the plus strand (A>G on the coding strand, the complement: BRIP1 is on the minus strand). VCF-style: chr17-61693523-T-C. GRCh37 (hg19) VCF-style: chr17-59770884-T-C.
Identifiers: ClinVar variation 491443 (VCV000491443.14), dbSNP rs890923836, ClinGen allele CA292270156.